The following is an entry in ClinVar:

ClinVar aggregate classification (germline): Uncertain significance. Review status: criteria provided, multiple submitters, no conflicts (2 of 4 stars). 2 submissions from 2 submitters: Uncertain significance (2). Last evaluated 2021-08-09.

Conditions:
Ataxia-telangiectasia syndrome (AT). Also called: Ataxia-telangiectasia, complementation group E; Cerebello-oculocutaneous telangiectasia; Immunodeficiency with ataxia telangiectasia; Ataxia-telangiectasia, complementation group D; AT, COMPLEMENTATION GROUP C; Ataxia-telangiectasia. Identifiers: Orphanet 100, MedGen C0004135, MONDO:0008840, OMIM 208900.

Submissions (2):

Labcorp Genetics (formerly Invitae), Labcorp
Classification: Uncertain significance for Ataxia-telangiectasia syndrome. Last evaluated: 2021-08-09. Review status: criteria provided, single submitter. Criteria: Invitae Variant Classification Sherloc (09022015). Collection method: clinical testing. Allele origin: germline.
Comment: This sequence change replaces tyrosine with histidine at codon 1124 of the ATM protein (p.Tyr1124His). The tyrosine residue is highly conserved and there is a moderate physicochemical difference between tyrosine and histidine. This variant is not present in population databases (ExAC no frequency). In summary, the available evidence is currently insufficient to determine the role of this variant in disease. Therefore, it has been classified as a Variant of Uncertain Significance. Algorithms developed to predict the effect of missense changes on protein structure and function output the following: SIFT: "Deleterious"; PolyPhen-2: "Benign"; Align-GVGD: "Class C65". The histidine amino acid residue is found in multiple mammalian species, suggesting that this missense change does not adversely affect protein function. These predictions have not been confirmed by published functional studies and their clinical significance is uncertain. This variant has not been reported in the literature in individuals with ATM-related conditions.

GeneDx
Classification: Uncertain significance. Last evaluated: 2019-09-17. Review status: criteria provided, single submitter. Criteria: GeneDx Variant Classification Process June 2021. Collection method: clinical testing. Allele origin: germline. Affected: yes.
Comment: Not observed in large population cohorts (Lek et al., 2016); In silico analysis, which includes protein predictors and evolutionary conservation, supports that this variant does not alter protein structure/function; Has not been previously published as pathogenic or benign to our knowledge

NM_000051.4(ATM):c.3370T>C (p.Tyr1124His)

Gene: ATM (ATM serine/threonine kinase; plus strand). Cytogenetic location: 11q22.3.
Variant type: single nucleotide variant.
Coding change: c.3370T>C on transcript NM_000051.4 (MANE Select); coding-DNA position 3370, T replaced by C.
Protein change: p.Tyr1124His; replaces tyrosine 1124 with histidine.
Molecular consequence: missense variant.
Genome position (GRCh38, 1-based): chr11:108,279,576, T>C. VCF-style: chr11-108279576-T-C. GRCh37 (hg19) VCF-style: chr11-108150303-T-C.
Other names: c.3370T>C, p.Tyr1124His (NM_001351834.2); short protein forms Y1124H.
Identifiers: ClinVar variation 848855 (VCV000848855.11), dbSNP rs2082121841, ClinGen allele CA382517696.